The following is an entry in ClinVar:

NM_001142800.2(EYS):c.1300-3_1300-2delinsTT

Gene: EYS (EGF-like photoreceptor maintenance factor; minus strand). Cytogenetic location: 6q12.
Variant type: Indel.
Coding change: c.1300-3_1300-2delinsTT on transcript NM_001142800.2 (MANE Select); 3 bases into the intron before coding-DNA position 1300 through the canonical splice acceptor site of the intron before coding-DNA position 1300, CA replaced by TT.
Molecular consequence: splice acceptor variant.
Genome position (GRCh38, 1-based): chr6:65,353,619-65,353,620, TG replaced by AA on the plus strand (CA replaced by TT on the coding strand, the reverse complement: EYS is on the minus strand). VCF-style: chr6-65353619-TG-AA. GRCh37 (hg19) VCF-style: chr6-66063512-TG-AA.
Other names: c.1300-3_1300-2delinsTT (NM_001292009.2, NM_001142801.2, NM_198283.2).
Identifiers: ClinVar variation 1511782 (VCV001511782.8), dbSNP rs2150327364, ClinGen allele CA2573141041.

ClinVar aggregate classification (germline): Likely pathogenic (1 of 4 stars; one submission).

Submission:

Labcorp Genetics (formerly Invitae), Labcorp
Classification: Likely pathogenic. Last evaluated: 2021-06-12. Review status: criteria provided, single submitter. Criteria: Invitae Variant Classification Sherloc (09022015). Collection method: clinical testing. Allele origin: germline.
Comment: This sequence change affects a splice site in intron 8 of the EYS gene. It is expected to disrupt RNA splicing. Variants that disrupt the donor or acceptor splice site typically lead to a loss of protein function (PMID: 16199547), and loss-of-function variants in EYS are known to be pathogenic (PMID: 18836446, 20333770). The frequency data for this variant in the population databases is not available, as this variant may be reported as separate entries in the ExAC database. This variant has not been reported in the literature in individuals with EYS-related conditions. Algorithms developed to predict the effect of sequence changes on RNA splicing suggest that this variant may disrupt the consensus splice site, but this prediction has not been confirmed by published transcriptional studies. In summary, the currently available evidence indicates that the variant is pathogenic, but additional data are needed to prove that conclusively. Therefore, this variant has been classified as Likely Pathogenic.

Literature cited by the submitters: PubMed 16199547; PubMed 18836446; PubMed 20333770.